The following is an entry in ClinVar:

ClinVar aggregate classification (germline): Uncertain significance (1 of 4 stars; one submission).

gnomAD v4.1: 3 of 1,613,938 alleles (0.00019%); highest among the groups gnomAD compares: African/African-American, 0.0013%; no homozygotes.

Submission:

Labcorp Genetics (formerly Invitae), Labcorp
Classification: Uncertain significance. Last evaluated: 2024-02-24. Review status: criteria provided, single submitter. Criteria: Invitae Variant Classification Sherloc (09022015). Collection method: clinical testing. Allele origin: germline.
Comment: This sequence change replaces arginine, which is basic and polar, with proline, which is neutral and non-polar, at codon 404 of the HPS3 protein (p.Arg404Pro). This variant is present in population databases (no rsID available, gnomAD 0.01%). This variant has not been reported in the literature in individuals affected with HPS3-related conditions. ClinVar contains an entry for this variant (Variation ID: 1391282). Advanced modeling of protein sequence and biophysical properties (such as structural, functional, and spatial information, amino acid conservation, physicochemical variation, residue mobility, and thermodynamic stability) performed at Invitae indicates that this missense variant is expected to disrupt HPS3 protein function with a positive predictive value of 80%. In summary, the available evidence is currently insufficient to determine the role of this variant in disease. Therefore, it has been classified as a Variant of Uncertain Significance.

NM_032383.5(HPS3):c.1211G>C (p.Arg404Pro)

Gene: HPS3 (HPS3 biogenesis of lysosomal organelles complex 2 subunit 1; plus strand). Cytogenetic location: 3q24.
Variant type: single nucleotide variant.
Coding change: c.1211G>C on transcript NM_032383.5 (MANE Select); coding-DNA position 1211, G replaced by C.
Protein change: p.Arg404Pro; replaces arginine 404 with proline.
Molecular consequence: missense variant.
Genome position (GRCh38, 1-based): chr3:149,150,646, G>C. VCF-style: chr3-149150646-G-C. GRCh37 (hg19) VCF-style: chr3-148868433-G-C.
Other names: c.716G>C, p.Arg239Pro (NM_001308258.2); short protein forms R404P, R239P.
Identifiers: ClinVar variation 1391282 (VCV001391282.7), dbSNP rs773843901, ClinGen allele CA354917152.